The following is an entry in ClinVar:

ClinVar aggregate classification (germline): Uncertain significance (1 of 4 stars; one submission).

Conditions:
Glycine encephalopathy. Also called: Nonketotic hyperglycinemia; Non-ketotic hyperglycinemia. Identifiers: Orphanet 407, MedGen C0751748, MONDO:0011612, HP:0008288.

Submission:

Labcorp Genetics (formerly Invitae), Labcorp
Classification: Uncertain significance for Glycine encephalopathy. Last evaluated: 2022-10-10. Review status: criteria provided, single submitter. Criteria: Invitae Variant Classification Sherloc (09022015). Collection method: clinical testing. Allele origin: germline.
Comment: Algorithms developed to predict the effect of missense changes on protein structure and function are either unavailable or do not agree on the potential impact of this missense change (SIFT: "Tolerated"; PolyPhen-2: "Possibly Damaging"; Align-GVGD: "Class C0"). This variant has not been reported in the literature in individuals affected with GLDC-related conditions. This variant is not present in population databases (gnomAD no frequency). This sequence change replaces cysteine, which is neutral and slightly polar, with tyrosine, which is neutral and polar, at codon 112 of the GLDC protein (p.Cys112Tyr). In summary, the available evidence is currently insufficient to determine the role of this variant in disease. Therefore, it has been classified as a Variant of Uncertain Significance.

NM_000170.3(GLDC):c.335G>A (p.Cys112Tyr)

Gene: GLDC (glycine decarboxylase; minus strand). Cytogenetic location: 9p24.1.
Variant type: single nucleotide variant.
Coding change: c.335G>A on transcript NM_000170.3 (MANE Select); coding-DNA position 335, G replaced by A.
Protein change: p.Cys112Tyr; replaces cysteine 112 with tyrosine.
Molecular consequence: missense variant.
Genome position (GRCh38, 1-based): chr9:6,620,319, C>T on the plus strand (G>A on the coding strand, the complement: GLDC is on the minus strand). VCF-style: chr9-6620319-C-T. GRCh37 (hg19) VCF-style: chr9-6620319-C-T.
Other names: short protein forms C112Y.
Identifiers: ClinVar variation 2201387 (VCV002201387.4), dbSNP rs2489124801, ClinGen allele CA372879758.